The following is an entry in ClinVar:

NM_000059.4(BRCA2):c.5095G>A (p.Asp1699Asn)

Gene: BRCA2 (BRCA2 DNA repair associated; plus strand). Cytogenetic location: 13q13.1.
Variant type: single nucleotide variant.
Coding change: c.5095G>A on transcript NM_000059.4 (MANE Select); coding-DNA position 5095, G replaced by A.
Protein change: p.Asp1699Asn; replaces aspartic acid 1699 with asparagine.
Molecular consequence: missense variant.
Genome position (GRCh38, 1-based): chr13:32,339,450, G>A. VCF-style: chr13-32339450-G-A. GRCh37 (hg19) VCF-style: chr13-32913587-G-A.
Other names: NP_000050.3:p.Asp1699Asn; 5323G>A; short protein forms D1699N.
Identifiers: ClinVar variation 37946 (VCV000037946.56), dbSNP rs80358731, ClinGen allele CA021234.

ClinVar aggregate classification (germline): Benign/Likely benign. Review status: criteria provided, multiple submitters, no conflicts (2 of 4 stars). 17 submissions from 17 submitters: Benign (4); Likely benign (9). 4 of the submissions do not count toward it. Last evaluated 2026-01-21.

Conditions:
Hereditary cancer-predisposing syndrome. Also called: Neoplastic Syndromes, Hereditary; Hereditary neoplastic syndrome; Tumor predisposition; Hereditary Cancer Syndrome. Identifiers: Orphanet 140162, MedGen C0027672, MeSH D009386, MONDO:0015356.
Breast and/or ovarian cancer. Identifiers: MedGen CN221562.
Hereditary breast ovarian cancer syndrome. Also called: Hereditary breast and/or ovarian cancer syndrome; Breast and ovarian cancer; BRCA1- and BRCA2-Associated Hereditary Breast and Ovarian Cancer; Hereditary breast and ovarian cancer; Hereditary breast and ovarian cancer syndrome; Hereditary breast and ovarian cancer syndrome (HBOC). Identifiers: Orphanet 145, MedGen C0677776, MeSH D061325, MONDO:0003582. Disease mechanism: loss of function.
Breast-ovarian cancer, familial, susceptibility to, 2 (BROVCA2). Also called: BRCA2 Hereditary Breast and Ovarian Cancer. Identifiers: Orphanet 145, MedGen C2675520, MONDO:0012933, OMIM 612555. Disease mechanism: loss of function.

Allele frequency attached by ClinVar (database versions not stated): gnomAD below 0.00001 and 0.00007; TOPMed 0.00002; gnomAD exomes 0.00043; ExAC 0.00054; 1000 Genomes Project 0.00060; 1000 Genomes Project 30x 0.00062.
gnomAD v4.1: 381 of 1,587,408 alleles (0.024%); highest among the groups gnomAD compares: South Asian, 0.42%; 4 homozygotes.

Submissions (17):

Labcorp Genetics (formerly Invitae), Labcorp
Classification: Benign for Hereditary breast ovarian cancer syndrome. Last evaluated: 2026-01-21. Review status: criteria provided, single submitter. Criteria: Invitae Variant Classification Sherloc (09022015). Collection method: clinical testing. Allele origin: germline.

Center for Genomic Medicine, Rigshospitalet, Copenhagen University Hospital
Classification: Likely benign. Last evaluated: 2025-03-04. Review status: criteria provided, single submitter. Criteria: ACMG Guidelines, 2015. Collection method: clinical testing. Allele origin: germline.

Blueprint Genetics
Classification: Benign. Last evaluated: 2024-07-10. Review status: criteria provided, single submitter. Criteria: ACMG Guidelines, 2015. Collection method: clinical testing. Allele origin: germline.

All of Us Research Program, National Institutes of Health
Classification: Likely benign for Breast-ovarian cancer, familial, susceptibility to, 2. Last evaluated: 2023-11-20. Review status: criteria provided, single submitter. Criteria: ACMG Guidelines, 2015. Collection method: clinical testing. Allele origin: germline. Inheritance: Autosomal dominant inheritance. Observed: 11 variant alleles, 11 heterozygotes.
Comment: This study involves interpretation of variants in research participants for the purpose of population health screening. Participant phenotype was not available at the time of variant classification. Additional details can be found in publication PMID: 35346344, PMCID: PMC8962531

Quest Diagnostics Nichols Institute San Juan Capistrano
Classification: Benign. Last evaluated: 2023-05-15. Review status: criteria provided, single submitter. Criteria: Quest Diagnostics criteria. Collection method: clinical testing. Allele origin: unknown.

CHEO Genetics Diagnostic Laboratory, Children's Hospital of Eastern Ontario
Classification: Likely benign for Breast and/or ovarian cancer. Last evaluated: 2022-03-03. Review status: criteria provided, single submitter. Criteria: ACMG Guidelines, 2015. Collection method: clinical testing. Allele origin: germline.

National Health Laboratory Service, Universitas Academic Hospital and University of the Free State
Classification: Likely benign for Hereditary breast ovarian cancer syndrome. Last evaluated: 2021-11-16. Review status: criteria provided, single submitter. Criteria: ACMG Guidelines, 2015. Collection method: clinical testing. Allele origin: germline. Affected: yes. Observed: 1 variant allele.

Sema4
Classification: Likely benign for Hereditary cancer-predisposing syndrome. Last evaluated: 2021-05-28. Review status: criteria provided, single submitter. Criteria: Sema4 Curation Guidelines. Collection method: curation. Allele origin: germline.

GeneDx
Classification: Likely benign. Last evaluated: 2020-05-15. Review status: criteria provided, single submitter. Criteria: GeneDx Variant Classification Process June 2021. Collection method: clinical testing. Allele origin: germline. Affected: yes.
Comment: This variant is associated with the following publications: (PMID: 19912264, 22752604, 28692054, 26580448, 30555256, 31131967)

Ambry Genetics
Classification: Likely benign for Hereditary cancer-predisposing syndrome. Last evaluated: 2019-03-07. Review status: criteria provided, single submitter. Criteria: Ambry Variant Classification Scheme 2023. Collection method: clinical testing. Allele origin: germline.

Genetic Services Laboratory, University of Chicago
Classification: Likely benign. Last evaluated: 2018-11-07. Review status: criteria provided, single submitter. Criteria: ACMG Guidelines, 2015. Collection method: clinical testing. Allele origin: germline. Affected: no.

Women's Health and Genetics/Laboratory Corporation of America, LabCorp
Classification: Benign. Last evaluated: 2016-03-21. Review status: criteria provided, single submitter. Criteria: LabCorp Variant Classification Summary - May 2015. Collection method: clinical testing. Allele origin: germline.

Color Diagnostics, LLC DBA Color Health
Classification: Likely benign for Hereditary cancer-predisposing syndrome. Last evaluated: 2015-08-13. Review status: criteria provided, single submitter. Criteria: ACMG Guidelines, 2015. Collection method: clinical testing. Allele origin: germline.

Counsyl
Classification: Likely benign for Breast-ovarian cancer, familial, susceptibility to, 2. Last evaluated: 2018-03-23. Review status: no assertion criteria provided. Collection method: clinical testing. Allele origin: unknown. Not counted in ClinVar's aggregate classification.

Sharing Clinical Reports Project (SCRP)
Classification: Likely benign for Breast-ovarian cancer, familial 2. Last evaluated: 2012-03-05. Review status: no assertion criteria provided. Collection method: clinical testing. Allele origin: germline. Not counted in ClinVar's aggregate classification.

Breast Cancer Information Core (BIC) (BRCA2)
Classification: Uncertain significance for Breast-ovarian cancer, familial 2. Last evaluated: 2001-02-16. Review status: no assertion criteria provided. Collection method: clinical testing. Allele origin: germline. Affected: yes. Observed: 1 variant allele. Not counted in ClinVar's aggregate classification.

Department of Pathology and Laboratory Medicine, Sinai Health System
Classification: Likely benign. Review status: no assertion criteria provided. Collection method: clinical testing. Allele origin: unknown. Affected: yes. Observed: 5 variant alleles. Study: The Canadian Open Genetics Repository (COGR). Not counted in ClinVar's aggregate classification.
Comment: The p.Asp1699Asn variant was not identified in the literature, nor was it identified in the NHLBI Exome Sequencing Project (Exome Variant Server), GeneInsight COGR, COSMIC, MutDB, ARUP laboratories or LOVD databases. The p.Asp1699Asn variant was identified in dbSNP (ID: rs80358731 â€šÃ„ÃºWith other alleleâ€šÃ„Ã¹, with a minor allele frequency of 0.0006 (3 of 5000 chromosomes in1000 Genomes Project). This variant was identified in the Exome Aggregation Consortium (ExAC) database (released Jan 13th, 2015) in 64 of 118544 chromosomes (frequency: 0.0005399) or 62 of 15484 alleles from a population of South Asians with 1 homozygous, 2 of 884 alleles of other populations and was not found in European (Non-Finnish), East Asian, African, Latino, European (Finnish) and individuals, increasing the likelihood that this may be a low frequency benign variant in certain populations of origin. The variant was also identified by our laboratory in 2 individuals with ovarian and breast cancers. The ClinVar database had conflicting interpretations: classified as a likely benign variant by the Sharing Clinical Reports Project, (derived from Myriad reports), by Invitae and Ambry Genetics whereas BIC classified the variant as uncertain significance. The BRCA Share UMD database classified the variant as unknown. In-silico splicing predictors do not predict any difference in splicing. The p.Asp1699 residue is not conserved in mammals and computational analyses (PolyPhen-2, SIFT, AlignGVGD, BLOSUM, MutationTaster) do not suggest a high likelihood of impact to the protein. However, this information is not predictive enough to rule out pathogenicity. The variant amino acid Asparagine (Asn) is present in Cows, increasing the likelihood that this variant does not have clinical significance. In summary, based on the above information, the clinical significance of this variant cannot be determined with certainty at this time although we would lean towards a more benign role for this variant. This variant is classified as Likely Benign.

Literature cited by the submitters: PubMed 26580448 (cited by Quest Diagnostics Nichols Institute San Juan Capistrano and Counsyl); PubMed 33471991 (cited by Quest Diagnostics Nichols Institute San Juan Capistrano); PubMed 32467295 (cited by Quest Diagnostics Nichols Institute San Juan Capistrano); PubMed 22752604 (cited by 4 submitters); PubMed 30212499 (cited by Quest Diagnostics Nichols Institute San Juan Capistrano); PubMed 30555256 (cited by Quest Diagnostics Nichols Institute San Juan Capistrano); DOI 10.3389/fgene.2022.834265 (cited by National Health Laboratory Service, Universitas Academic Hospital and University of the Free State).